The following is an entry in ClinVar:

ClinVar aggregate classification (germline): Likely pathogenic (1 of 4 stars; one submission).

Submission:

Labcorp Genetics (formerly Invitae), Labcorp
Classification: Likely pathogenic. Last evaluated: 2019-12-06. Review status: criteria provided, single submitter. Criteria: Invitae Variant Classification Sherloc (09022015). Collection method: clinical testing. Allele origin: germline.
Comment: In summary, the currently available evidence indicates that the variant is pathogenic, but additional data are needed to prove that conclusively. Therefore, this variant has been classified as Likely Pathogenic. Donor and acceptor splice site variants typically lead to a loss of protein function (PMID: 16199547), and loss-of-function variants in MYO7A are known to be pathogenic (PMID: 8900236, 25404053). Experimental studies and prediction algorithms are not available or were not evaluated, and the effect of this variant on mRNA splicing is currently unknown. This variant has not been reported in the literature in individuals with MYO7A-related conditions. This variant is not present in population databases (ExAC no frequency). This sequence change affects donor splice site in intron 9 of the MYO7A gene. It is expected to disrupt RNA splicing and likely results in an absent or disrupted protein product.

Literature cited by the submitters: PubMed 16199547; PubMed 8900236; PubMed 25404053.

NM_000260.4(MYO7A):c.1003+1_1003+33delinsCAGTGCCTTG

Gene: MYO7A (myosin VIIA; plus strand). Cytogenetic location: 11q13.5.
Variant type: Indel.
Coding change: c.1003+1_1003+33delinsCAGTGCCTTG on transcript NM_000260.4 (MANE Select); the canonical splice donor site of the intron after coding-DNA position 1003 through 33 bases into the intron after coding-DNA position 1003, the reference bases replaced by CAGTGCCTTG.
Molecular consequence: splice donor variant.
Genome position (GRCh38, 1-based): chr11:77,158,431-77,158,463, 33 bases replaced. GRCh37 (hg19): chr11:76,869,477-76,869,509.
Other names: c.970+1_970+33delinsCAGTGCCTTG (NM_001369365.1); c.1003+1_1003+33delinsCAGTGCCTTG (NM_001127180.2).
Identifiers: ClinVar variation 971834 (VCV000971834.5), dbSNP rs1952694787, ClinGen allele CA1139662104.